The following is an entry in ClinVar:

ClinVar aggregate classification (germline): Benign/Likely benign. Review status: criteria provided, multiple submitters, no conflicts (2 of 4 stars). 6 submissions from 6 submitters: Benign (5); Likely benign (1). Last evaluated 2026-02-03.

Conditions:
Retinal cone dystrophy 4 (RCD4). Identifiers: Orphanet 1872, MedGen C1864849, MONDO:0012507, OMIM 610478.

Allele frequency attached by ClinVar (database versions not stated): gnomAD 0.02132 and 0.02126; gnomAD exomes 0.02254 and 0.02697; 1000 Genomes Project 0.01058; 1000 Genomes Project 30x 0.01093; ESP Exome Variant Server 0.01949; TOPMed 0.02029; ExAC 0.03954.
gnomAD v4.1: 42,097 of 1,587,446 alleles (2.7%); highest among the groups gnomAD compares: Middle Eastern, 3.7%; 726 homozygotes.

Submissions (21):

Labcorp Genetics (formerly Invitae), Labcorp
Classification: Benign. Last evaluated: 2026-02-03. Review status: criteria provided, single submitter. Criteria: Invitae Variant Classification Sherloc (09022015). Collection method: clinical testing. Allele origin: germline.

Blueprint Genetics
Classification: Likely benign. Last evaluated: 2024-11-27. Review status: criteria provided, single submitter. Criteria: ACMG Guidelines, 2015. Collection method: clinical testing. Allele origin: germline.

Genome-Nilou Lab
Classification: Benign for Retinal cone dystrophy 4. Last evaluated: 2021-07-14. Review status: criteria provided, single submitter. Criteria: ACMG Guidelines, 2015. Collection method: clinical testing. Allele origin: germline. Affected: no.

Illumina Laboratory Services, Illumina
Classification: Benign for Retinal cone dystrophy 4. Last evaluated: 2018-01-13. Review status: criteria provided, single submitter. Criteria: ICSL Variant Classification Criteria 13 December 2019. Collection method: clinical testing. Allele origin: germline.
Comment: This variant was observed in the ICSL laboratory as part of a predisposition screen in an ostensibly healthy population. It had not been previously curated by ICSL or reported in the Human Gene Mutation Database (HGMD: prior to June 1st, 2018), and was therefore a candidate for classification through an automated scoring system. Utilizing variant allele frequency, disease prevalence and penetrance estimates, and inheritance mode, an automated score was calculated to assess if this variant is too frequent to cause the disease. Based on the score and internal cut-off values, a variant classified as benign is not then subjected to further curation. The score for this variant resulted in a classification of benign for this disease.

Breakthrough Genomics
Classification: Benign. Review status: criteria provided, single submitter. Criteria: ACMG Guidelines, 2015. Collection method: not provided. Allele origin: germline. Inheritance: Autosomal recessive inheritance. Affected: yes.

PreventionGenetics, part of Exact Sciences
Classification: Benign. Review status: criteria provided, single submitter. Criteria: ACMG Guidelines, 2015. Collection method: clinical testing. Allele origin: germline.

Dr. Peter K. Rogan Lab, Western University
No classification provided (evidence only). Condition: Lung cancer. Review status: no classification provided. Collection method: in vitro. Allele origin: not applicable. Functional consequence: retained intron. Not counted in ClinVar's aggregate classification.

Dr. Peter K. Rogan Lab, Western University
No classification provided (evidence only). Condition: Melanoma. Review status: no classification provided. Collection method: in vitro. Allele origin: not applicable. Functional consequence: retained intron. Not counted in ClinVar's aggregate classification.

Dr. Peter K. Rogan Lab, Western University
No classification provided (evidence only). Condition: Acute myeloid leukemia. Review status: no classification provided. Collection method: in vitro. Allele origin: not applicable. Functional consequence: retained intron. Not counted in ClinVar's aggregate classification.

Dr. Peter K. Rogan Lab, Western University
No classification provided (evidence only). Condition: Acute myeloid leukemia. Review status: no classification provided. Collection method: in vitro. Allele origin: not applicable. Functional consequence: skipped exon, retained intron. Not counted in ClinVar's aggregate classification.

Dr. Peter K. Rogan Lab, Western University
No classification provided (evidence only). Condition: Colon adenocarcinoma. Review status: no classification provided. Collection method: in vitro. Allele origin: not applicable. Functional consequence: retained intron. Not counted in ClinVar's aggregate classification.

Dr. Peter K. Rogan Lab, Western University
No classification provided (evidence only). Condition: Thyroid cancer, nonmedullary, 1. Review status: no classification provided. Collection method: in vitro. Allele origin: not applicable. Functional consequence: retained intron. Not counted in ClinVar's aggregate classification.

Dr. Peter K. Rogan Lab, Western University
No classification provided (evidence only). Condition: Thyroid cancer, nonmedullary, 1. Review status: no classification provided. Collection method: in vitro. Allele origin: not applicable. Functional consequence: retained intron. Not counted in ClinVar's aggregate classification.

Dr. Peter K. Rogan Lab, Western University
No classification provided (evidence only). Condition: Thyroid cancer, nonmedullary, 1. Review status: no classification provided. Collection method: in vitro. Allele origin: not applicable. Functional consequence: skipped exon. Not counted in ClinVar's aggregate classification.

Dr. Peter K. Rogan Lab, Western University
No classification provided (evidence only). Condition: Thyroid cancer, nonmedullary, 1. Review status: no classification provided. Collection method: in vitro. Allele origin: not applicable. Functional consequence: skipped exon. Not counted in ClinVar's aggregate classification.

Dr. Peter K. Rogan Lab, Western University
No classification provided (evidence only). Condition: Thyroid cancer, nonmedullary, 1. Review status: no classification provided. Collection method: in vitro. Allele origin: not applicable. Functional consequence: retained intron. Not counted in ClinVar's aggregate classification.

Dr. Peter K. Rogan Lab, Western University
No classification provided (evidence only). Condition: Thyroid cancer, nonmedullary, 1. Review status: no classification provided. Collection method: in vitro. Allele origin: not applicable. Functional consequence: skipped exon. Not counted in ClinVar's aggregate classification.

Dr. Peter K. Rogan Lab, Western University
No classification provided (evidence only). Condition: Cervical cancer. Review status: no classification provided. Collection method: in vitro. Allele origin: not applicable. Functional consequence: retained intron. Not counted in ClinVar's aggregate classification.

Dr. Peter K. Rogan Lab, Western University
No classification provided (evidence only). Condition: Sarcoma. Review status: no classification provided. Collection method: in vitro. Allele origin: not applicable. Functional consequence: retained intron. Not counted in ClinVar's aggregate classification.

Dr. Peter K. Rogan Lab, Western University
No classification provided (evidence only). Condition: Thymoma. Review status: no classification provided. Collection method: in vitro. Allele origin: not applicable. Functional consequence: skipped exon. Not counted in ClinVar's aggregate classification.

Dr. Peter K. Rogan Lab, Western University
No classification provided (evidence only). Condition: Thymoma. Review status: no classification provided. Collection method: in vitro. Allele origin: not applicable. Functional consequence: retained intron. Not counted in ClinVar's aggregate classification.

NM_172364.5(CACNA2D4):c.2746G>A (p.Asp916Asn)

Gene: CACNA2D4 (calcium voltage-gated channel auxiliary subunit alpha2delta 4; minus strand). Cytogenetic location: 12p13.33.
Variant type: single nucleotide variant.
Coding change: c.2746G>A on transcript NM_172364.5 (MANE Select); coding-DNA position 2746, G replaced by A.
Protein change: p.Asp916Asn; replaces aspartic acid 916 with asparagine.
Molecular consequence: missense variant.
Genome position (GRCh38, 1-based): chr12:1,801,620, C>T on the plus strand (G>A on the coding strand, the complement: CACNA2D4 is on the minus strand). VCF-style: chr12-1801620-C-T. GRCh37 (hg19) VCF-style: chr12-1910786-C-T.
Other names: short protein forms D916N.
Identifiers: ClinVar variation 262816 (VCV000262816.20), dbSNP rs62621429, ClinGen allele CA6386214.